The following is an entry in ClinVar:

ClinVar aggregate classification (germline): Benign (3 of 4 stars; one submission).

Conditions:
Breast-ovarian cancer, familial, susceptibility to, 2 (BROVCA2). Also called: BRCA2 Hereditary Breast and Ovarian Cancer. Identifiers: Orphanet 145, MedGen C2675520, MONDO:0012933, OMIM 612555. Disease mechanism: loss of function.

Allele frequency attached by ClinVar (database versions not stated): TOPMed 0.00648; gnomAD 0.00652 and 0.00595; 1000 Genomes Project 0.00539; 1000 Genomes Project 30x 0.00625.
gnomAD v4.1: 895 of 152,084 alleles (0.59%); highest among the groups gnomAD compares: African/African-American, 2.1%; 9 homozygotes.

Submission:

Evidence-based Network for the Interpretation of Germline Mutant Alleles (ENIGMA)
Classification: Benign for Breast-ovarian cancer, familial, susceptibility to, 2. Last evaluated: 2016-09-28. Review status: reviewed by expert panel. Criteria: ENIGMA BRCA1/2 Classification Criteria (2015). Collection method: curation. Allele origin: germline.
Comment: Class 1 not pathogenic based on frequency >1% in an outbred sampleset. Frequency 0.0197 (African), derived from 1000 genomes (2013-05-02).

NM_000059.4(BRCA2):c.317-1680G>A

Gene: BRCA2 (BRCA2 DNA repair associated; plus strand). Cytogenetic location: 13q13.1.
Variant type: single nucleotide variant.
Coding change: c.317-1680G>A on transcript NM_000059.4 (MANE Select); 1680 bases into the intron before coding-DNA position 317, G replaced by A.
Molecular consequence: intron variant.
Genome position (GRCh38, 1-based): chr13:32,323,396, G>A. VCF-style: chr13-32323396-G-A. GRCh37 (hg19) VCF-style: chr13-32897533-G-A.
Identifiers: ClinVar variation 264940 (VCV000264940.1), dbSNP rs11571603, ClinGen allele CA10588072.